The following is an entry in ClinVar:

NM_020338.4(ZMIZ1):c.1565C>G (p.Pro522Arg)

Gene: ZMIZ1 (zinc finger MIZ-type containing 1; plus strand). Cytogenetic location: 10q22.3.
Variant type: single nucleotide variant.
Coding change: c.1565C>G on transcript NM_020338.4 (MANE Select); coding-DNA position 1565, C replaced by G.
Protein change: p.Pro522Arg; replaces proline 522 with arginine.
Molecular consequence: missense variant.
Genome position (GRCh38, 1-based): chr10:79,298,479, C>G. VCF-style: chr10-79298479-C-G. GRCh37 (hg19) VCF-style: chr10-81058236-C-G.
Other names: short protein forms P522R.
Identifiers: ClinVar variation 2504757 (VCV002504757.2), dbSNP rs2492115422, ClinGen allele CA377337352.

ClinVar aggregate classification (germline): Uncertain significance (1 of 4 stars; one submission).

Submission:

GeneDx
Classification: Uncertain significance. Last evaluated: 2023-10-23. Review status: criteria provided, single submitter. Criteria: GeneDx Variant Classification Process June 2021. Collection method: clinical testing. Allele origin: germline.
Comment: Not observed at significant frequency in large population cohorts (gnomAD); In silico analysis supports that this missense variant has a deleterious effect on protein structure/function; Has not been previously published as pathogenic or benign to our knowledge